The following is an entry in ClinVar:

NM_001009944.3(PKD1):c.8978T>G (p.Leu2993Arg)

Gene: PKD1 (polycystin 1, transient receptor potential channel interacting; minus strand). Cytogenetic location: 16p13.3.
Variant type: single nucleotide variant.
Coding change: c.8978T>G on transcript NM_001009944.3 (MANE Select); coding-DNA position 8978, T replaced by G.
Protein change: p.Leu2993Arg; replaces leucine 2993 with arginine.
Molecular consequence: missense variant.
Genome position (GRCh38, 1-based): chr16:2,102,604, A>C on the plus strand (T>G on the coding strand, the complement: PKD1 is on the minus strand). VCF-style: chr16-2102604-A-C. GRCh37 (hg19) VCF-style: chr16-2152605-A-C.
Other names: c.8978T>G, p.Leu2993Arg (NM_000296.4); short protein forms L2993R.
Identifiers: ClinVar variation 3234025 (VCV003234025.2), dbSNP rs1555450487, ClinGen allele CA394361089.

ClinVar aggregate classification (germline): Uncertain significance. Review status: criteria provided, multiple submitters, no conflicts (2 of 4 stars). 2 submissions from 2 submitters: Uncertain significance (2). Last evaluated 2025-10-14.

Conditions:
Polycystic kidney disease, adult type (PKD1). Also called: Polycystic Kidney Disease 1, Autosomal Dominant; Polycystic kidney disease 1; Polycystic kidney disease 1, severe; Polycystic Kidney, Autosomal Dominant; POLYCYSTIC KIDNEY DISEASE 1 WITH OR WITHOUT POLYCYSTIC LIVER DISEASE; POLYCYSTIC KIDNEY DISEASE, ADULT, TYPE I. Identifiers: MedGen C3149841, MONDO:0008263, OMIM 173900.

Submissions (2):

Women's Health and Genetics/Laboratory Corporation of America, LabCorp
Classification: Uncertain significance. Last evaluated: 2025-10-14. Review status: criteria provided, single submitter. Criteria: LabCorp Variant Classification Summary - May 2015. Collection method: clinical testing. Allele origin: germline.
Comment: Variant summary: PKD1 c.8978T>G (p.Leu2993Arg) results in a non-conservative amino acid change in the encoded protein sequence. Algorithms developed to predict the effect of missense changes on protein structure and function are either unavailable or do not agree on the potential impact of this missense change. The variant was absent in 244274 control chromosomes. The available data on variant occurrences in the general population are insufficient to allow any conclusion about variant significance. To our knowledge, no occurrence of c.8978T>G in individuals affected with PKD1-related conditions and no experimental evidence demonstrating its impact on protein function have been reported. ClinVar contains an entry for this variant (Variation ID: 3234025). Based on the evidence outlined above, the variant was classified as uncertain significance.

MVZ Medizinische Genetik Mainz
Classification: Uncertain significance for Polycystic kidney disease, adult type. Last evaluated: 2021-10-14. Review status: criteria provided, single submitter. Criteria: UK Practice Guidelines For Variant Classification V4 01 2020. Collection method: clinical testing. Allele origin: germline. Inheritance: Autosomal dominant inheritance. Observed: 1 variant allele.
Comment: ACMG Criteria: PM2_SUP, PM5_SUP, PP3, PP4 (ACMG Version 3)